The following is an entry in ClinVar:

ClinVar aggregate classification (germline): Likely benign (0 of 4 stars; one submission).

Conditions:
NPHS1-related disorder. Also called: NPHS1-related condition.

Submission:

PreventionGenetics, part of Exact Sciences
Classification: Likely benign for NPHS1-related condition. Last evaluated: 2023-07-12. Review status: no assertion criteria provided. Collection method: clinical testing. Allele origin: germline.
Comment: This variant is classified as likely benign based on ACMG/AMP sequence variant interpretation guidelines (Richards et al. 2015 PMID: 25741868, with internal and published modifications).

NM_004646.4(NPHS1):c.1206G>C (p.Leu402=)

Gene: NPHS1 (NPHS1 adhesion molecule, nephrin; minus strand). Cytogenetic location: 19q13.12.
Variant type: single nucleotide variant.
Coding change: c.1206G>C on transcript NM_004646.4 (MANE Select); coding-DNA position 1206, G replaced by C.
Protein change: p.Leu402=; no amino-acid change (leucine 402 retained).
Molecular consequence: synonymous variant.
Genome position (GRCh38, 1-based): chr19:35,848,362, C>G on the plus strand (G>C on the coding strand, the complement: NPHS1 is on the minus strand). VCF-style: chr19-35848362-C-G. GRCh37 (hg19) VCF-style: chr19-36339264-C-G.
Identifiers: ClinVar variation 3051231 (VCV003051231.2), dbSNP rs368174279, ClinGen allele CA507314535.